The following is an entry in ClinVar:

NM_001605.3(AARS1):c.2817G>T (p.Gln939His)

Gene: AARS1 (alanyl-tRNA synthetase 1; minus strand). Cytogenetic location: 16q22.1.
Variant type: single nucleotide variant.
Coding change: c.2817G>T on transcript NM_001605.3 (MANE Select); coding-DNA position 2817, G replaced by T.
Protein change: p.Gln939His; replaces glutamine 939 with histidine.
Molecular consequence: missense variant.
Genome position (GRCh38, 1-based): chr16:70,252,811, C>A on the plus strand (G>T on the coding strand, the complement: AARS1 is on the minus strand). VCF-style: chr16-70252811-C-A. GRCh37 (hg19) VCF-style: chr16-70286714-C-A.
Other names: short protein forms Q939H.
Identifiers: ClinVar variation 543169 (VCV000543169.8), dbSNP rs140048586, ClinGen allele CA396554364.
Genomic context (GRCh38, chr16:70,252,811, plus strand): 5'-GGCGAAGGAAGTGGCCAGCTGCAGCGCCTCCTGCAGGCAGCCAACGTTCTTGCCTGTGGC[C>A]TGTGCAGACACATCCTTGCCACCACCTTTACCGTCCATCAAGCCTGACACCTGCTGCACC-3'
Protein context (NP_001596.2, residues 929-949): GKGGGKDVSA[Gln939His]ATGKNVGCLQ

ClinVar aggregate classification (germline): Uncertain significance (1 of 4 stars; one submission).

Conditions:
Charcot-Marie-Tooth disease type 2. Also called: Charcot-Marie-Tooth type 2. Identifiers: Orphanet 64746, MedGen C0270914, MONDO:0018993.

Submission:

Labcorp Genetics (formerly Invitae), Labcorp
Classification: Uncertain significance for Charcot-Marie-Tooth disease type 2. Last evaluated: 2017-08-08. Review status: criteria provided, single submitter. Criteria: Invitae Variant Classification Sherloc (09022015). Collection method: clinical testing. Allele origin: germline.
Comment: In summary, the available evidence is currently insufficient to determine the role of this variant in disease. Therefore, it has been classified as a Variant of Uncertain Significance. Algorithms developed to predict the effect of missense changes on protein structure and function do not agree on the potential impact of this missense change (SIFT: "Deleterious"; PolyPhen-2: "Probably Damaging"; Align-GVGD: "Class C0"). This variant has not been reported in the literature in individuals with AARS-related disease. This variant is not present in population databases (ExAC no frequency). This sequence change replaces glutamine with histidine at codon 939 of the AARS protein (p.Gln939His). The glutamine residue is highly conserved and there is a small physicochemical difference between glutamine and histidine.